The following is an entry in ClinVar:

NM_001374353.1(GLI2):c.3007G>C (p.Ala1003Pro)

Gene: GLI2 (GLI family zinc finger 2; plus strand). Cytogenetic location: 2q14.2.
Variant type: single nucleotide variant.
Coding change: c.3007G>C on transcript NM_001374353.1 (MANE Select); coding-DNA position 3007, G replaced by C.
Protein change: p.Ala1003Pro; replaces alanine 1003 with proline.
Molecular consequence: missense variant.
Genome position (GRCh38, 1-based): chr2:120,988,972, G>C. VCF-style: chr2-120988972-G-C. GRCh37 (hg19) VCF-style: chr2-121746548-G-C.
Other names: c.3058G>C, p.Ala1020Pro (NM_001371271.1, NM_005270.5); c.2632G>C, p.Ala878Pro (NM_001374354.1); short protein forms A1003P, A1020P, A878P.
Identifiers: ClinVar variation 2629032 (VCV002629032.5), dbSNP rs567643693, ClinGen allele CA1852297.

ClinVar aggregate classification (germline): Conflicting classifications of pathogenicity. Review status: criteria provided, conflicting classifications (1 of 4 stars). 3 submissions from 3 submitters: Uncertain significance (2); Likely benign (1). Last evaluated 2024-11-10.

Conditions:
GLI2-related disorder. Also called: GLI2-related disorders; GLI2-related condition.
Inborn genetic diseases. Identifiers: MedGen C0950123, MeSH D030342.
Postaxial polydactyly-anterior pituitary anomalies-facial dysmorphism syndrome. Also called: Culler-Jones syndrome. Identifiers: Orphanet 420584, MedGen C4014479, MONDO:0014369, OMIM 615849.
Holoprosencephaly 9 (HPE9). Also called: PITUITARY ANOMALIES WITH HOLOPROSENCEPHALY-LIKE FEATURES; HOLOPROSENCEPHALY WITH MICROPHTHALMIA AND FIRST BRANCHIAL ARCH ANOMALIES. Identifiers: Orphanet 2162, MedGen C1835819, MONDO:0012563, OMIM 610829.

Allele frequency attached by ClinVar (database versions not stated): TOPMed 0.00001; gnomAD 0.00005; gnomAD exomes 0.00005; 1000 Genomes Project 30x 0.00016; 1000 Genomes Project 0.00020; ExAC 0.00025.
gnomAD v4.1: 76 of 1,557,020 alleles (0.0049%); highest among the groups gnomAD compares: South Asian, 0.077%; 1 homozygote.

Submissions (3):

Ambry Genetics
Classification: Likely benign for Inborn genetic diseases. Last evaluated: 2024-11-10. Review status: criteria provided, single submitter. Criteria: Ambry Variant Classification Scheme 2023. Collection method: clinical testing. Allele origin: germline.

Labcorp Genetics (formerly Invitae), Labcorp
Classification: Uncertain significance for Postaxial polydactyly-anterior pituitary anomalies-facial dysmorphism syndrome; Holoprosencephaly 9. Last evaluated: 2023-07-10. Review status: criteria provided, single submitter. Criteria: Invitae Variant Classification Sherloc (09022015). Collection method: clinical testing. Allele origin: germline.
Comment: In summary, the available evidence is currently insufficient to determine the role of this variant in disease. Therefore, it has been classified as a Variant of Uncertain Significance. Advanced modeling of protein sequence and biophysical properties (such as structural, functional, and spatial information, amino acid conservation, physicochemical variation, residue mobility, and thermodynamic stability) performed at Invitae indicates that this missense variant is not expected to disrupt GLI2 protein function. This variant has not been reported in the literature in individuals affected with GLI2-related conditions. This variant is present in population databases (rs567643693, gnomAD 0.06%), and has an allele count higher than expected for a pathogenic variant. This sequence change replaces alanine, which is neutral and non-polar, with proline, which is neutral and non-polar, at codon 1020 of the GLI2 protein (p.Ala1020Pro).

PreventionGenetics, part of Exact Sciences
Classification: Uncertain significance for GLI2-related condition. Last evaluated: 2023-05-12. Review status: criteria provided, single submitter. Criteria: ACMG Guidelines, 2015. Collection method: clinical testing. Allele origin: germline.
Comment: The GLI2 c.3058G>C variant is predicted to result in the amino acid substitution p.Ala1020Pro. To our knowledge, this variant has not been reported in the literature. This variant is reported in 0.059% of alleles in individuals of South Asian descent in gnomAD, which may be too common to be a primary cause of disease. Although we suspect that this variant may be benign, at this time, the clinical significance of this variant is uncertain due to the absence of conclusive functional and genetic evidence.